The following is an entry in ClinVar:

ClinVar aggregate classification (germline): Uncertain significance (1 of 4 stars; one submission).

Conditions:
Developmental and epileptic encephalopathy, 9 (DEE9). Also called: Early infantile epileptic encephalopathy 9; EPILEPSY, FEMALE-RESTRICTED, WITH MENTAL RETARDATION; JUBERG-HELLMAN SYNDROME; PCDH19-Related X-Linked Female-Limited Epilepsy with Mental Retardation. Identifiers: Orphanet 101039, Orphanet 2076, MedGen C1848137, MONDO:0010246, OMIM 300088. Disease mechanism: loss of function.

Submission:

Human Genetics Bochum, Ruhr University Bochum
Classification: Uncertain significance for Developmental and epileptic encephalopathy, 9. Last evaluated: 2023-09-13. Review status: criteria provided, single submitter. Criteria: ACMG Guidelines, 2015. Collection method: clinical testing. Allele origin: germline. Affected: yes.
Comment: ACMG criteria used to clasify this variant: PM1, PM2_SUP, PP2

NM_001184880.2(PCDH19):c.949C>G (p.Gln317Glu)

Gene: PCDH19 (protocadherin 19; minus strand). Cytogenetic location: Xq22.1.
Variant type: single nucleotide variant.
Coding change: c.949C>G on transcript NM_001184880.2 (MANE Select); coding-DNA position 949, C replaced by G.
Protein change: p.Gln317Glu; replaces glutamine 317 with glutamic acid.
Molecular consequence: missense variant.
Genome position (GRCh38, 1-based): chrX:100,407,649, G>C on the plus strand (C>G on the coding strand, the complement: PCDH19 is on the minus strand). VCF-style: chrX-100407649-G-C. GRCh37 (hg19) VCF-style: chrX-99662647-G-C.
Other names: c.949C>G, p.Gln317Glu (NM_001105243.2, NM_020766.3); short protein forms Q317E.
Identifiers: ClinVar variation 3027446 (VCV003027446.1), dbSNP rs2147540086, ClinGen allele CA414004943.